The following is an entry in ClinVar:

NM_018834.6(MATR3):c.344T>G (p.Phe115Cys)

Gene: MATR3 (matrin 3; plus strand). Cytogenetic location: 5q31.2.
Variant type: single nucleotide variant.
Coding change: c.344T>G on transcript NM_018834.6 (MANE Select); coding-DNA position 344, T replaced by G.
Protein change: p.Phe115Cys; replaces phenylalanine 115 with cysteine.
Molecular consequence: missense variant. On other transcripts: intron variant (2).
Genome position (GRCh38, 1-based): chr5:139,307,759, T>G. VCF-style: chr5-139307759-T-G. GRCh37 (hg19) VCF-style: chr5-138643448-T-G.
Other names: c.344T>G, p.Phe115Cys (NM_001194954.2, NM_001194955.2, NM_199189.3); c.-102-6916T>G (NM_001282278.2); c.49-6916T>G (NM_001194956.2); short protein forms F115C.
Identifiers: ClinVar variation 126561 (VCV000126561.8), dbSNP rs587777300, ClinGen allele CA151202.

ClinVar aggregate classification (germline): Uncertain significance. Review status: criteria provided, single submitter (1 of 4 stars). 2 submissions from 2 submitters: Uncertain significance (1). 1 of the submissions does not count toward it. Last evaluated 2025-06-15.

Conditions:
Amyotrophic lateral sclerosis type 21. Also called: MYOPATHY, DISTAL, 2; VOCAL CORD AND PHARYNGEAL DYSFUNCTION WITH DISTAL MYOPATHY. Identifiers: Orphanet 600, Orphanet 803, MedGen C3807521, MONDO:0011632, OMIM 606070.

Allele frequency attached by ClinVar (database versions not stated): TOPMed below 0.00001; ExAC 0.00001; gnomAD 0.00001; gnomAD exomes 0.00001.
gnomAD v4.1: 1 of 1,614,028 alleles (0.000062%); highest among the groups gnomAD compares: Non-Finnish European, 0.000085%; no homozygotes.

Submissions (2):

Labcorp Genetics (formerly Invitae), Labcorp
Classification: Uncertain significance for Amyotrophic lateral sclerosis type 21. Last evaluated: 2025-06-15. Review status: criteria provided, single submitter. Criteria: Invitae Variant Classification Sherloc (09022015). Collection method: clinical testing. Allele origin: germline.
Comment: This sequence change replaces phenylalanine, which is neutral and non-polar, with cysteine, which is neutral and slightly polar, at codon 115 of the MATR3 protein (p.Phe115Cys). This variant is present in population databases (rs587777300, gnomAD 0.003%). This missense change has been observed in individual(s) with amyotrophic lateral sclerosis and/or dementia (PMID: 24686783). It has also been observed to segregate with disease in related individuals. ClinVar contains an entry for this variant (Variation ID: 126561). Invitae Evidence Modeling of protein sequence and biophysical properties (such as structural, functional, and spatial information, amino acid conservation, physicochemical variation, residue mobility, and thermodynamic stability) indicates that this missense variant is not expected to disrupt MATR3 protein function with a negative predictive value of 80%. Experimental studies are conflicting or provide insufficient evidence to determine the effect of this variant on MATR3 function (PMID: 24686783, 26528920, 29109432, 30015619, 30563574, 31019288). In summary, the available evidence is currently insufficient to determine the role of this variant in disease. Therefore, it has been classified as a Variant of Uncertain Significance.

OMIM
Classification: Pathogenic for AMYOTROPHIC LATERAL SCLEROSIS 21. Last evaluated: 2014-03-30. Review status: no assertion criteria provided. Collection method: literature only. Allele origin: germline. Not counted in ClinVar's aggregate classification.

Literature cited by the submitters: PubMed 24686783 (cited by Labcorp Genetics (formerly Invitae), Labcorp and OMIM); PubMed 26528920 (cited by Labcorp Genetics (formerly Invitae), Labcorp); PubMed 29109432 (cited by Labcorp Genetics (formerly Invitae), Labcorp); PubMed 30015619 (cited by Labcorp Genetics (formerly Invitae), Labcorp); PubMed 30563574 (cited by Labcorp Genetics (formerly Invitae), Labcorp); PubMed 31019288 (cited by Labcorp Genetics (formerly Invitae), Labcorp).